The following is an entry in ClinVar:

NM_001379451.1(BCORL1):c.4368C>T (p.Pro1456=)

Gene: BCORL1 (BCL6 corepressor like 1; plus strand). Cytogenetic location: Xq26.1.
Variant type: single nucleotide variant.
Coding change: c.4368C>T on transcript NM_001379451.1 (MANE Select); coding-DNA position 4368, C replaced by T.
Protein change: p.Pro1456=; no amino-acid change (proline 1456 retained).
Molecular consequence: synonymous variant. On other transcripts: intron variant (1).
Genome position (GRCh38, 1-based): chrX:130,034,517, C>T. VCF-style: chrX-130034517-C-T. GRCh37 (hg19) VCF-style: chrX-129168492-C-T.
Other names: c.4368C>T, p.Pro1456= (NM_001184772.3, NM_001379450.1, NM_001441326.1 and 2 more transcripts); c.3978C>T, p.Pro1326= (NM_001441329.1, NM_001441330.1, NM_001441331.1 and 1 more transcripts); c.4306-2850C>T (NM_021946.5).
Identifiers: ClinVar variation 5040907 (VCV005040907.1).
Genomic context (GRCh38, chrX:130,034,517, plus strand): 5'-CAAAGGTCGTTGGAGCCAGCAGAAGACACGATCTCCCAAATCTCCCACCCCAGTGAAACC[C>T]ACAGAACCATGTACACCCTCTAAGTCCCGAAGTGCCAGCTCAGAGGAGGCCTCAGAGTCA-3'
Protein context (NP_001366380.1, residues 1446-1466): RSPKSPTPVK[Pro1456=]TEPCTPSKSR

ClinVar aggregate classification (germline): Likely benign (1 of 4 stars; one submission).

gnomAD v4.1: 25 of 981,394 alleles (0.0025%); highest among the groups gnomAD compares: Admixed American, 0.04%; no homozygotes.

Submission:

CeGaT Center for Human Genetics Tuebingen
Classification: Likely benign. Last evaluated: 2026-09-01. Review status: criteria provided, single submitter. Criteria: CeGaT Center For Human Genetics Tuebingen Variant Classification Criteria Version 2. Collection method: clinical testing. Allele origin: germline. Affected: yes. Observed: 1 variant allele.
Comment: BCORL1: BP4, BP7, BS2